The following is an entry in ClinVar:

NM_020975.6(RET):c.2393-6C>T

Gene: RET (ret proto-oncogene; plus strand). Cytogenetic location: 10q11.21.
Variant type: single nucleotide variant.
Coding change: c.2393-6C>T on transcript NM_020975.6 (MANE Select); 6 bases into the intron before coding-DNA position 2393, C replaced by T.
Molecular consequence: intron variant.
Genome position (GRCh38, 1-based): chr10:43,119,525, C>T. VCF-style: chr10-43119525-C-T. GRCh37 (hg19) VCF-style: chr10-43614973-C-T.
Other names: c.2393-6C>T (NM_020630.7, NM_001406743.1, NM_001406744.1 and 2 more transcripts); c.2258-6C>T (NM_001406765.1, NM_001406763.1); c.1997-6C>T (NM_001406772.1, NM_001406769.1); c.1955-6C>T (NM_001406773.1, NM_001406771.1); c.1496-6C>T (NM_001406782.1, NM_001406780.1, NM_001406779.1 and 1 more transcripts); c.1361-6C>T (NM_001406787.1); c.1376-6C>T (NM_001406785.1); c.2264-6C>T (NM_001406764.1, NM_001406762.1, NM_001406761.1); and 10 more.
Identifiers: ClinVar variation 1537156 (VCV001537156.10), dbSNP rs371646543, ClinGen allele CA206266572.

ClinVar aggregate classification (germline): Likely benign. Review status: criteria provided, multiple submitters, no conflicts (2 of 4 stars). 2 submissions from 2 submitters: Likely benign (2). Last evaluated 2025-02-26.

Conditions:
Multiple endocrine neoplasia, type 2 (MEN2). Identifiers: Orphanet 653, MedGen C4048306, MONDO:0019003. Disease mechanism: gain of function.
Multiple endocrine neoplasia type 2A. Also called: MULTIPLE ENDOCRINE NEOPLASIA, TYPE IIA; PTC SYNDROME; SIPPLE SYNDROME; MEN 2A; MEN-2A syndrome; Pheochromocytoma and amyloid producing medullary thyroid carcinoma. Identifiers: Orphanet 247698, Orphanet 653, MedGen C0025268, MeSH D018813, MONDO:0008234, OMIM 171400.

Allele frequency attached by ClinVar (database versions not stated): TOPMed below 0.00001; gnomAD exomes 0.00001; ESP Exome Variant Server 0.00008.
gnomAD v4.1: 12 of 1,591,840 alleles (0.00075%); highest among the groups gnomAD compares: Non-Finnish European, 0.001%; no homozygotes.

Submissions (2):

Myriad Genetics, Inc.
Classification: Likely benign for Multiple endocrine neoplasia type 2A. Last evaluated: 2025-02-26. Review status: criteria provided, single submitter. Criteria: Myriad Autosomal Dominant, Autosomal Recessive and X-Linked Classification Criteria (2023). Collection method: clinical testing. Allele origin: unknown.
Comment: This variant is considered likely benign. This variant is intronic and is not expected to impact mRNA splicing.

Labcorp Genetics (formerly Invitae), Labcorp
Classification: Likely benign for Multiple endocrine neoplasia, type 2. Last evaluated: 2024-09-02. Review status: criteria provided, single submitter. Criteria: Invitae Variant Classification Sherloc (09022015). Collection method: clinical testing. Allele origin: germline.